The following is an entry in ClinVar:

NM_001145358.2(SIN3A):c.1009-9A>G

Gene: SIN3A (SIN3 transcription regulator family member A; minus strand). Cytogenetic location: 15q24.2.
Variant type: single nucleotide variant.
Coding change: c.1009-9A>G on transcript NM_001145358.2 (MANE Select); 9 bases into the intron before coding-DNA position 1009, A replaced by G.
Molecular consequence: intron variant.
Genome position (GRCh38, 1-based): chr15:75,410,295, T>C on the plus strand (A>G on the coding strand, the complement: SIN3A is on the minus strand). VCF-style: chr15-75410295-T-C. GRCh37 (hg19) VCF-style: chr15-75702636-T-C.
Other names: NC_000015.9:g.75702636T>C; c.1009-9A>G (NM_001145357.2, NM_015477.3, NM_001145358.1).
Identifiers: ClinVar variation 1708918 (VCV001708918.13), dbSNP rs759972441, ClinGen allele CA2580089989.

ClinVar aggregate classification (germline): Conflicting classifications of pathogenicity. Review status: criteria provided, conflicting classifications (1 of 4 stars). 7 submissions from 7 submitters: Pathogenic (2); Likely pathogenic (1); Uncertain significance (4). Last evaluated 2026-04-20.

Conditions:
SIN3A-related intellectual disability syndrome due to a point mutation. Also called: 15q24 Microdeletion Syndrome; WITTEVEEN-KOLK SYNDROME. Identifiers: Orphanet 500166, Orphanet 94065, MedGen C4310804, MONDO:0044700, OMIM 613406.
Inborn genetic diseases. Identifiers: MedGen C0950123, MeSH D030342.

Submissions (8):

Dasa
Classification: Uncertain significance. Last evaluated: 2026-04-20. Review status: criteria provided, single submitter. Criteria: DASA Assertion Criteria. Collection method: clinical testing. Allele origin: germline.
Comment: NM_001145358.2(SIN3A):c.1009-9A>G is a splice-region variant. De novo occurrence has been reported in an individual with SIN3A-related disorders. This variant is rare in population databases. Computational prediction algorithms are consistent with a deleterious effect. The currently available literature and clinical evidence are not sufficient to establish a definitive association between this variant and the reported condition. Therefore, this variant is classified as a variant of uncertain significance.

Ambry Genetics
Classification: Pathogenic for Inborn genetic diseases. Last evaluated: 2026-04-03. Review status: criteria provided, single submitter. Criteria: Ambry Variant Classification Scheme 2023. Collection method: clinical testing. Allele origin: germline.
Comment: The c.1009-9A>G intronic variant consists of an A to G substitution 9 nucleotides before exon 7 (coding exon 6) of the SIN3A gene. This variant was not reported in population-based cohorts in the Genome Aggregation Database (gnomAD). This variant was determined to be de novo in at least one individual with features consistent with Witteveen-Kolk syndrome (external communication). This nucleotide position is not well conserved in available vertebrate species. In silico splice site analysis predicts that this alteration will weaken the native splice acceptor site and will result in the creation or strengthening of a novel splice acceptor site. Based on the available evidence, this alteration is classified as pathogenic.

Labcorp Genetics (formerly Invitae), Labcorp
Classification: Uncertain significance. Last evaluated: 2026-01-04. Review status: criteria provided, single submitter. Criteria: Invitae Variant Classification Sherloc (09022015). Collection method: clinical testing. Allele origin: germline.
Comment: This sequence change falls in intron 6 of the SIN3A gene. It does not directly change the encoded amino acid sequence of the SIN3A protein. This variant is not present in population databases (gnomAD no frequency). This variant has not been reported in the literature in individuals affected with SIN3A-related conditions. ClinVar contains an entry for this variant (Variation ID: 1708918). Algorithms developed to predict the effect of sequence changes on RNA splicing suggest that this variant may disrupt the consensus splice site. In summary, the available evidence is currently insufficient to determine the role of this variant in disease. Therefore, it has been classified as a Variant of Uncertain Significance.

GeneDx
Classification: Pathogenic. Last evaluated: 2025-09-08. Review status: criteria provided, single submitter. Criteria: GeneDx Variant Classification Process June 2021. Collection method: clinical testing. Allele origin: germline. Affected: yes.
Comment: Not observed at significant frequency in large population cohorts (gnomAD); In silico analysis supports a deleterious effect on splicing; Has not been previously published as pathogenic or benign to our knowledge

Clinical Genetics Laboratory, Region Ostergotland
Classification: Likely pathogenic. Last evaluated: 2025-05-08. Review status: criteria provided, single submitter. Criteria: ACMG Guidelines, 2015. Collection method: clinical testing. Allele origin: de novo.
Comment: SIN3A-related condition (Witteveen-Kolk syndrome) is described with broad phenotypic heterogeneity including short sature, growth hormone deficiency and deficiencies in the central nervous system (PMID:33437032, PMID:38066172). The variant is not found in population database (no frequency gnomAD v4.1.0). The following ACMG/AMP criteria were applied in classifying this variant: PM2_supporting, PP3, PS2_moderate, PS4_moderate

Laboratorio de Genetica e Diagnostico Molecular, Hospital Israelita Albert Einstein
Classification: Uncertain significance for SIN3A-related intellectual disability syndrome due to a point mutation. Last evaluated: 2025-04-30. Review status: criteria provided, single submitter. Criteria: ACMG Guidelines, 2015. Collection method: clinical testing. Allele origin: germline. Affected: yes.
Comment: ACMG classification criteria: PM2 supporting, PP3 supporting

3billion
Classification: Uncertain significance for SIN3A-related intellectual disability syndrome due to a point mutation. Last evaluated: 2025-03-31. Review status: criteria provided, single submitter. Criteria: ACMG Guidelines, 2015. Collection method: clinical testing. Allele origin: germline. Affected: yes.

Dr. Peter K. Rogan Lab, Western University
No classification provided (evidence only). Condition: Uterine corpus endometrial carcinoma. Review status: no classification provided. Collection method: in vitro. Allele origin: not applicable. Functional consequence: retained intron. Not counted in ClinVar's aggregate classification.

Literature cited by the submitters: PubMed 33437032 (cited by Clinical Genetics Laboratory, Region Ostergotland); PubMed 38066172 (cited by Clinical Genetics Laboratory, Region Ostergotland).